The following is an entry in ClinVar:

ClinVar aggregate classification (germline): Uncertain significance (1 of 4 stars; one submission).

Conditions:
Alstrom syndrome (ALMS). Identifiers: Orphanet 64, MedGen C0268425, MONDO:0008763, OMIM 203800.

Submission:

Labcorp Genetics (formerly Invitae), Labcorp
Classification: Uncertain significance for Alstrom syndrome. Last evaluated: 2022-03-10. Review status: criteria provided, single submitter. Criteria: Invitae Variant Classification Sherloc (09022015). Collection method: clinical testing. Allele origin: germline.
Comment: In summary, the available evidence is currently insufficient to determine the role of this variant in disease. Therefore, it has been classified as a Variant of Uncertain Significance. This sequence change replaces proline with leucine at codon 1213 of the ALMS1 protein (p.Pro1213Leu). The proline residue is moderately conserved and there is a moderate physicochemical difference between proline and leucine. This variant is not present in population databases (gnomAD no frequency). This variant has not been reported in the literature in individuals affected with ALMS1-related conditions. Experimental studies and prediction algorithms are not available or were not evaluated, and the functional significance of this variant is currently unknown.

NM_001378454.1(ALMS1):c.3635C>T (p.Pro1212Leu)

Gene: ALMS1 (ALMS1 centrosome and basal body associated protein; plus strand). Cytogenetic location: 2p13.1.
Variant type: single nucleotide variant.
Coding change: c.3635C>T on transcript NM_001378454.1 (MANE Select); coding-DNA position 3635, C replaced by T.
Protein change: p.Pro1212Leu; replaces proline 1212 with leucine.
Molecular consequence: missense variant.
Genome position (GRCh38, 1-based): chr2:73,450,162, C>T. VCF-style: chr2-73450162-C-T. GRCh37 (hg19) VCF-style: chr2-73677289-C-T.
Other names: c.3638C>T, p.Pro1213Leu (NM_015120.4); short protein forms P1212L, P1213L.
Identifiers: ClinVar variation 1376973 (VCV001376973.6), dbSNP rs747033635, ClinGen allele CA347276092.